The following is an entry in ClinVar:

NM_024577.4(SH3TC2):c.1090del (p.Leu364fs)

Gene: SH3TC2 (SH3 domain and tetratricopeptide repeats 2; minus strand). Cytogenetic location: 5q32.
Variant type: Deletion.
Coding change: c.1090del on transcript NM_024577.4 (MANE Select); coding-DNA position 1090, one base deleted (C; older notation c.1090delC).
Protein change: p.Leu364fs; shifts the reading frame from leucine 364.
Molecular consequence: frameshift variant.
Genome position (GRCh38, 1-based): chr5:149,031,599, G deleted on the plus strand (C on the coding strand, the reverse complement: SH3TC2 is on the minus strand); the first of 2 consecutive G bases (chr5:149,031,599-149,031,600); deleting either gives the same sequence. VCF-style (leftmost placement, unchanged base first): chr5-149031598-AG-A. GRCh37 (hg19) VCF-style: chr5-148411161-AG-A.
Other names: short protein forms L364fs.
Identifiers: ClinVar variation 1457760 (VCV001457760.6), dbSNP rs2127398558, ClinGen allele CA2573139262.

ClinVar aggregate classification (germline): Pathogenic (1 of 4 stars; one submission).

Conditions:
Charcot-Marie-Tooth disease type 4. Also called: Charcot-Marie-Tooth disease, type IV; Charcot-Marie-Tooth, Type 4. Identifiers: Orphanet 64749, MedGen C4082197, MONDO:0018995.

Submission:

Labcorp Genetics (formerly Invitae), Labcorp
Classification: Pathogenic for Charcot-Marie-Tooth disease type 4. Last evaluated: 2025-03-19. Review status: criteria provided, single submitter. Criteria: Invitae Variant Classification Sherloc (09022015). Collection method: clinical testing. Allele origin: germline.
Comment: This sequence change creates a premature translational stop signal (p.Leu364Serfs*28) in the SH3TC2 gene. It is expected to result in an absent or disrupted protein product. Loss-of-function variants in SH3TC2 are known to be pathogenic (PMID: 20220177, 27068304). This variant is not present in population databases (gnomAD no frequency). This variant has not been reported in the literature in individuals affected with SH3TC2-related conditions. ClinVar contains an entry for this variant (Variation ID: 1457760). For these reasons, this variant has been classified as Pathogenic.

Literature cited by the submitters: PubMed 20220177; PubMed 27068304.